The following is an entry in ClinVar:

NM_004525.3(LRP2):c.8687del (p.Pro2896fs)

Gene: LRP2 (LDL receptor related protein 2; minus strand). Cytogenetic location: 2q31.1.
Variant type: Deletion.
Coding change: c.8687del on transcript NM_004525.3 (MANE Select); coding-DNA position 8687, one base deleted (C; older notation c.8687delC).
Protein change: p.Pro2896fs; shifts the reading frame from proline 2896.
Molecular consequence: frameshift variant.
Genome position (GRCh38, 1-based): chr2:169,196,922, G deleted on the plus strand (C on the coding strand, the reverse complement: LRP2 is on the minus strand); the first of 2 consecutive G bases (chr2:169,196,922-169,196,923); deleting either gives the same sequence. VCF-style (leftmost placement, unchanged base first): chr2-169196921-AG-A. GRCh37 (hg19) VCF-style: chr2-170053431-AG-A.
Other names: short protein forms P2896fs.
Identifiers: ClinVar variation 818071 (VCV000818071.1), dbSNP rs1574121486, ClinGen allele CA915942961.

ClinVar aggregate classification (germline): Likely pathogenic (1 of 4 stars; one submission).

Submission:

GeneDx
Classification: Likely pathogenic. Last evaluated: 2019-03-14. Review status: criteria provided, single submitter. Criteria: GeneDx Variant Classification (06012015). Collection method: clinical testing. Allele origin: germline. Affected: yes.
Comment: The c.8687delC variant in the LRP2 gene has not been reported previously as a pathogenic variant nor as a benign variant, to our knowledge. The c.8687delC variant causes a frameshift starting with codon Proline 2896, changes this amino acid to a Leucine residue, and creates a premature Stop codon at position 12 of the new reading frame, denoted p.Pro2896LeufsX12. This variant is predicted to cause loss of normal protein function either through protein truncation or nonsense-mediated mRNA decay. The c.8687delC variant is not observed in large population cohorts (Lek et al., 2016). We interpret c.8687delC as a likely pathogenic variant.